The following is an entry in ClinVar:

ClinVar aggregate classification (germline): Uncertain significance. Review status: criteria provided, multiple submitters, no conflicts (2 of 4 stars). 2 submissions from 2 submitters: Uncertain significance (2). Last evaluated 2026-07-07.

Conditions:
Hereditary cancer-predisposing syndrome. Also called: Tumor predisposition; Hereditary Cancer Syndrome; Hereditary neoplastic syndrome; Neoplastic Syndromes, Hereditary. Identifiers: Orphanet 140162, MedGen C0027672, MeSH D009386, MONDO:0015356.
Familial adenomatous polyposis 1 (FAP1). Also called: POLYPOSIS, ADENOMATOUS INTESTINAL; FAMILIAL ADENOMATOUS POLYPOSIS 1, ATTENUATED. Identifiers: MedGen C2713442, MONDO:0021056, OMIM 175100. Disease mechanism: loss of function.

Submissions (2):

Ambry Genetics
Classification: Uncertain significance for Hereditary cancer-predisposing syndrome. Last evaluated: 2026-07-07. Review status: criteria provided, single submitter. Criteria: Ambry Variant Classification Scheme 2023. Collection method: clinical testing. Allele origin: germline.
Comment: The p.K1744Q variant (also known as c.5230A>C), located in coding exon 15 of the APC gene, results from an A to C substitution at nucleotide position 5230. The lysine at codon 1744 is replaced by glutamine, an amino acid with similar properties. This amino acid position is conserved. In addition, in silico predictors for this gene do not accurately predict pathogenicity. Based on the available evidence, the clinical significance of this variant remains unclear.

Labcorp Genetics (formerly Invitae), Labcorp
Classification: Uncertain significance for Familial adenomatous polyposis 1. Last evaluated: 2020-08-06. Review status: criteria provided, single submitter. Criteria: Invitae Variant Classification Sherloc (09022015). Collection method: clinical testing. Allele origin: germline.
Comment: In summary, the available evidence is currently insufficient to determine the role of this variant in disease. Therefore, it has been classified as a Variant of Uncertain Significance. Algorithms developed to predict the effect of missense changes on protein structure and function (SIFT, PolyPhen-2, Align-GVGD) all suggest that this variant is likely to be tolerated, but these predictions have not been confirmed by published functional studies and their clinical significance is uncertain. This variant has not been reported in the literature in individuals with APC-related conditions. This variant is not present in population databases (ExAC no frequency). This sequence change replaces lysine with glutamine at codon 1744 of the APC protein (p.Lys1744Gln). The lysine residue is highly conserved and there is a small physicochemical difference between lysine and glutamine.

NM_000038.6(APC):c.5230A>C (p.Lys1744Gln)

Gene: APC (APC regulator of Wnt signaling pathway; plus strand). Cytogenetic location: 5q22.2.
Variant type: single nucleotide variant.
Coding change: c.5230A>C on transcript NM_000038.6 (MANE Select); coding-DNA position 5230, A replaced by C.
Protein change: p.Lys1744Gln; replaces lysine 1744 with glutamine.
Molecular consequence: missense variant.
Genome position (GRCh38, 1-based): chr5:112,840,824, A>C. VCF-style: chr5-112840824-A-C. GRCh37 (hg19) VCF-style: chr5-112176521-A-C.
Other names: c.4381A>C, p.Lys1461Gln (NM_001354906.2); c.4750A>C, p.Lys1584Gln (NM_001354905.2); c.5230A>C, p.Lys1744Gln (NM_001127510.3, NM_001354895.2); c.5176A>C, p.Lys1726Gln (NM_001127511.3); c.5284A>C, p.Lys1762Gln (NM_001354896.2); c.5260A>C, p.Lys1754Gln (NM_001354897.2); c.5155A>C, p.Lys1719Gln (NM_001354898.2); c.5146A>C, p.Lys1716Gln (NM_001354899.2); and 6 more; short protein forms K1461Q, K1584Q, K1618Q, K1643Q, K1653Q, K1685Q, K1703Q, K1716Q.
Identifiers: ClinVar variation 1006035 (VCV001006035.11), dbSNP rs1765888489, ClinGen allele CA16032761.
Genomic context (GRCh38, chr5:112,840,824, plus strand): 5'-CTTGCAGAATGCATTAATTCTGCTATGCCCAAAGGGAAAAGTCACAAGCCTTTCCGTGTG[A>C]AAAAGATAATGGACCAGGTCCAGCAAGCATCTGCGTCTTCTTCTGCACCCAACAAAAATC-3'
Protein context (NP_000029.2, residues 1734-1754): KGKSHKPFRV[Lys1744Gln]KIMDQVQQAS